The following is an entry in ClinVar:

ClinVar aggregate classification (germline): Likely benign (0 of 4 stars; one submission).

Conditions:
CEP135-related disorder. Also called: CEP135-related condition.

Allele frequency attached by ClinVar (database versions not stated): gnomAD exomes below 0.00001; ExAC 0.00001; gnomAD 0.00004.
gnomAD v4.1: 9 of 1,614,002 alleles (0.00056%); highest among the groups gnomAD compares: Admixed American, 0.01%; no homozygotes.

Submission:

PreventionGenetics, part of Exact Sciences
Classification: Likely benign for CEP135-related condition. Last evaluated: 2019-08-28. Review status: no assertion criteria provided. Collection method: clinical testing. Allele origin: germline.
Comment: This variant is classified as likely benign based on ACMG/AMP sequence variant interpretation guidelines (Richards et al. 2015 PMID: 25741868, with internal and published modifications).

NM_025009.5(CEP135):c.537C>G (p.Pro179=)

Gene: CEP135 (centrosomal protein 135; plus strand). Cytogenetic location: 4q12.
Variant type: single nucleotide variant.
Coding change: c.537C>G on transcript NM_025009.5 (MANE Select); coding-DNA position 537, C replaced by G.
Protein change: p.Pro179=; no amino-acid change (proline 179 retained).
Molecular consequence: synonymous variant.
Genome position (GRCh38, 1-based): chr4:55,957,287, C>G. VCF-style: chr4-55957287-C-G. GRCh37 (hg19) VCF-style: chr4-56823453-C-G.
Identifiers: ClinVar variation 3052747 (VCV003052747.2), dbSNP rs769365357, ClinGen allele CA2927584.